The following is an entry in ClinVar:

ClinVar aggregate classification (germline): Likely pathogenic (1 of 4 stars; one submission).

Conditions:
Pontocerebellar hypoplasia type 1A (PCH1A). Also called: PONTOCEREBELLAR HYPOPLASIA WITH ANTERIOR HORN CELL DISEASE; PONTOCEREBELLAR HYPOPLASIA WITH INFANTILE SPINAL MUSCULAR ATROPHY. Identifiers: Orphanet 2254, Orphanet 88616, MedGen C1843504, MONDO:0011866, OMIM 607596.

Submission:

Natera, Inc.
Classification: Likely pathogenic for Pontocerebellar hypoplasia, type 1a. Last evaluated: 2024-10-03. Review status: criteria provided, single submitter. Criteria: Natera Variant Classification Schema (03/2026). Collection method: clinical testing. Allele origin: germline.
Comment: The c.1139_1142del variant in VRK1 is a frameshift variant predicted to elongate the protein beyond the termination codon. This variant is expected to result in nonsense mediated decay, truncation, or a dysfunctional protein product. This variant is rare in the general population with a frequency below the threshold expected for the associated phenotype(s). Given the available evidence, this variant is classified as Likely Pathogenic.

NM_003384.3(VRK1):c.1139_1142del (p.Thr380fs)

Gene: VRK1 (VRK serine/threonine kinase 1; plus strand). Cytogenetic location: 14q32.2.
Variant type: Microsatellite.
Coding change: c.1139_1142del on transcript NM_003384.3 (MANE Select); coding-DNA positions 1139 to 1142, 4 bases deleted (CAGA; older notation c.1139_1142delCAGA).
Protein change: p.Thr380fs; shifts the reading frame from threonine 380.
Molecular consequence: frameshift variant.
Genome position (GRCh38, 1-based): chr14:96,876,100-96,876,103, CAGA deleted; deleting any 4 consecutive bases within chr14:96,876,095-96,876,103 gives the same sequence; the c. name uses the placement nearest the transcript's 3' end. VCF-style (leftmost placement, unchanged base first): chr14-96876094-CACAG-C. GRCh37 (hg19) VCF-style: chr14-97342431-CACAG-C.
Other names: c.1139_1142del, p.Thr380fs (NM_001411051.1); c.1136_1139del, p.Thr379fs (NM_001411053.1); short protein forms T379fs, T380fs.
Identifiers: ClinVar variation 4815113 (VCV004815113.1).